The following is an entry in ClinVar:

ClinVar aggregate classification (germline): Pathogenic/Likely pathogenic. Review status: criteria provided, multiple submitters, no conflicts (2 of 4 stars). 8 submissions from 8 submitters: Pathogenic (3); Likely pathogenic (4). 1 of the submissions does not count toward it. Last evaluated 2025-03-24.

Conditions:
RIT1-related disorder. Also called: RIT1-related condition.
Cardiovascular phenotype. Identifiers: MedGen CN230736.
Noonan syndrome 8 (NS8). Identifiers: Orphanet 648, MedGen C3809233, MONDO:0014143, OMIM 615355.
RASopathy. Also called: rasopathies; Noonan spectrum disorder. Identifiers: Orphanet 536391, MedGen C5555857, MONDO:0021060.
Noonan syndrome (NS). Also called: Noonan's syndrome. Identifiers: Orphanet 648, MedGen C0028326, MeSH D009634, MONDO:0018997. Disease mechanism: gain of function.

Allele frequency attached by ClinVar (database versions not stated): gnomAD exomes below 0.00001; TOPMed below 0.00001; gnomAD 0.00001.

Submissions (8):

Women's Health and Genetics/Laboratory Corporation of America, LabCorp
Classification: Pathogenic for RASopathy. Last evaluated: 2025-03-24. Review status: criteria provided, single submitter. Criteria: LabCorp Variant Classification Summary - May 2015. Collection method: clinical testing. Allele origin: germline.
Comment: Variant summary: RIT1 c.251C>T (p.Ala84Val) results in a non-conservative amino acid change located in the Switch II region (Cave_2016) of the encoded protein sequence. Five of five in-silico tools predict a damaging effect of the variant on protein function. The variant was absent in 250998 control chromosomes (gnomAD). c.251C>T has been reported in the literature in multiple individuals affected with Noonan Syndrome and it has also been observed to segregate with the disease in related individuals (Cave_2016, Carcavilla_2023, Invitae). These data indicate that the variant is very likely to be associated with disease. To our knowledge, no experimental evidence demonstrating an impact on protein function has been reported. The following publications have been ascertained in the context of this evaluation (PMID: 37568403, 26757980). ClinVar contains an entry for this variant (Variation ID: 183410). Based on the evidence outlined above, the variant was classified as pathogenic.

Labcorp Genetics (formerly Invitae), Labcorp
Classification: Pathogenic for Noonan syndrome 8. Last evaluated: 2024-08-12. Review status: criteria provided, single submitter. Criteria: Invitae Variant Classification Sherloc (09022015). Collection method: clinical testing. Allele origin: germline.
Comment: This sequence change replaces alanine, which is neutral and non-polar, with valine, which is neutral and non-polar, at codon 84 of the RIT1 protein (p.Ala84Val). This variant is not present in population databases (gnomAD no frequency). This missense change has been observed in individuals with clinical features of Noonan syndrome (PMID: 26757980; Invitae). It has also been observed to segregate with disease in related individuals. ClinVar contains an entry for this variant (Variation ID: 183410). Advanced modeling of protein sequence and biophysical properties (such as structural, functional, and spatial information, amino acid conservation, physicochemical variation, residue mobility, and thermodynamic stability) performed at Invitae indicates that this missense variant is expected to disrupt RIT1 protein function with a positive predictive value of 95%. For these reasons, this variant has been classified as Pathogenic.

Genome-Nilou Lab
Classification: Likely pathogenic for Noonan syndrome 8. Last evaluated: 2023-04-11. Review status: criteria provided, single submitter. Criteria: ACMG Guidelines, 2015. Collection method: clinical testing. Allele origin: germline. Affected: no.

Ambry Genetics
Classification: Likely pathogenic for Cardiovascular phenotype. Last evaluated: 2023-02-06. Review status: criteria provided, single submitter. Criteria: Ambry Variant Classification Scheme 2023. Collection method: clinical testing. Allele origin: germline.
Comment: The p.A84V variant (also known as c.251C>T), located in coding exon 4 of the RIT1 gene, results from a C to T substitution at nucleotide position 251. The alanine at codon 84 is replaced by valine, an amino acid with similar properties. This alteration has been reported in a family with features of Noonan syndrome (Cav&eacute; H et al. Eur J Hum Genet, 2016 Aug;24:1124-31). The variant has also been detected in multiple unrelated individuals with RASopathy at other clinical laboratories (Invitae, personal communication; GeneDx, personal communication; Laboratory for Molecular Medicine, personal communication). This variant is considered to be rare based on population cohorts in the Genome Aggregation Database (gnomAD). This amino acid position is highly conserved in available vertebrate species. In addition, this alteration is predicted to be deleterious by in silico analysis. Based on the majority of available evidence to date, this variant is likely to be pathogenic.

Blueprint Genetics
Classification: Pathogenic for RIT1-related disorders. Last evaluated: 2022-03-02. Review status: criteria provided, single submitter. Criteria: ACMG Guidelines, 2015. Collection method: clinical testing. Allele origin: germline. Affected: yes. Observed: 2 variant alleles.

GeneDx
Classification: Likely pathogenic. Last evaluated: 2017-06-01. Review status: criteria provided, single submitter. Criteria: GeneDx Variant Classification (06012015). Collection method: clinical testing. Allele origin: germline. Affected: yes.
Comment: The A84V variant has been published previously in association with Noonan syndrome (CavÃ© et al., 2016). The variant is not observed in large population cohorts (Lek et al., 2016; 1000 Genomes Consortium et al., 2015; Exome Variant Server). A84V is a conservative amino acid substitution, which is not likely to impact secondary protein structure as these residues share similar properties. However, this substitution occurs at a position that is conserved across species, and in silico analysis predicts this variant is probably damaging to the protein structure/function. Missense variants in nearby residues (E81G, F82V/S/L, T83P, Y89H) have been reported in the Human Gene Mutation Database in association with Noonan syndrome (Stenson et al., 2014), supporting the functional importance of this region of the protein. In summary, this variant is likely pathogenic; however, the possibility that it is benign cannot be excluded.

Laboratory for Molecular Medicine, Mass General Brigham Personalized Medicine
Classification: Likely pathogenic for Noonan syndrome. Last evaluated: 2017-04-07. Review status: criteria provided, single submitter. Criteria: LMM Criteria. Collection method: clinical testing. Allele origin: germline. Inheritance: Autosomal dominant inheritance. Observed: 1 variant allele.
Comment: The p.Ala101Val variant (reported as p.Ala84Val on transcript NM_006912.5) in RI T1 has been reported in 1 individual with clinical features of Noonan syndrome a nd segregated in 2 affected relatives from 1 family (Cave 2016). This variant is absent from large population studies. This variant has been reported in ClinVar (Variation ID 183410). Computational prediction tools and conservation analysis suggest that the p.Ala101Val variant may impact the protein, though this inform ation is not predictive enough to determine pathogenicity. In summary, although additional studies are required to fully establish its clinical significance, th e p.Ala101Val variant is likely pathogenic.

Service de Génétique Moléculaire, Hôpital Robert Debré
Classification: Likely pathogenic for Noonan's syndrome. Review status: no assertion criteria provided. Criteria: clinical testing. Collection method: clinical testing. Allele origin: paternal. Affected: yes. Observed: 1 variant allele. Not counted in ClinVar's aggregate classification.

Literature cited by the submitters: PubMed 26757980 (cited by 4 submitters); PubMed 37568403 (cited by Women's Health and Genetics/Laboratory Corporation of America, LabCorp).

NM_006912.6(RIT1):c.251C>T (p.Ala84Val)

Gene: RIT1 (Ras like without CAAX 1; minus strand). Cytogenetic location: 1q22.
Variant type: single nucleotide variant.
Coding change: c.251C>T on transcript NM_006912.6 (MANE Select); coding-DNA position 251, C replaced by T.
Protein change: p.Ala84Val; replaces alanine 84 with valine.
Molecular consequence: missense variant.
Genome position (GRCh38, 1-based): chr1:155,904,489, G>A on the plus strand (C>T on the coding strand, the complement: RIT1 is on the minus strand). VCF-style: chr1-155904489-G-A. GRCh37 (hg19) VCF-style: chr1-155874280-G-A.
Other names: c.143C>T, p.Ala48Val (NM_001256820.2); c.302C>T, p.Ala101Val (NM_001256821.2); c.251C>T (NM_006912.4); short protein forms A84V, A101V, A48V.
Identifiers: ClinVar variation 183410 (VCV000183410.19), dbSNP rs869025196, ClinGen allele CA353881.
Genomic context (GRCh38, chr1:155,904,489, plus strand): 5'-TCCGTGATAGAGTAACAGATGATAAACCCTTCTCCTGCCCTCATATACTGGTCCCGCATG[G>A]CTGTAAACTCTGCCTAGAGGGAAACAAGGGTCATTATGTATTGACGCAATCTAGCCCAAC-3'
Protein context (NP_008843.1, residues 74-94): LDTAGQAEFT[Ala84Val]MRDQYMRAGE